The following is an entry in ClinVar:

NM_001111125.3(IQSEC2):c.2413G>T (p.Glu805Ter)

Gene: IQSEC2 (IQ motif and Sec7 domain ArfGEF 2; minus strand). Cytogenetic location: Xp11.22.
Variant type: single nucleotide variant.
Coding change: c.2413G>T on transcript NM_001111125.3 (MANE Select); coding-DNA position 2413, G replaced by T.
Protein change: p.Glu805Ter; replaces glutamic acid 805 with a stop codon.
Molecular consequence: nonsense.
Genome position (GRCh38, 1-based): chrX:53,248,767, C>A on the plus strand (G>T on the coding strand, the complement: IQSEC2 is on the minus strand). VCF-style: chrX-53248767-C-A. GRCh37 (hg19) VCF-style: chrX-53277949-C-A.
Other names: NC_000023.10:g.53277949C>A; c.2413G>T, p.Glu805Ter (NM_001410736.1); c.1798G>T, p.Glu600Ter (NM_015075.2); short protein forms E600*, E805*.
Identifiers: ClinVar variation 3338572 (VCV003338572.2).

ClinVar aggregate classification (germline): Likely pathogenic (1 of 4 stars; one submission).

Conditions:
Intellectual developmental disorder, X-linked 1. Also called: Atkin Flaitz Patil Smith syndrome; Intellectual disability, X-linked 1; MENTAL RETARDATION, X-LINKED 18; MENTAL RETARDATION, X-LINKED 78. Identifiers: Orphanet 777, MedGen C2931498, MONDO:0010656, OMIM 309530.

Submissions (2):

Greenwood Genetic Center Diagnostic Laboratories, Greenwood Genetic Center
Classification: Likely pathogenic for Intellectual developmental disorder, X-linked 1. Last evaluated: 2024-06-21. Review status: criteria provided, single submitter. Criteria: ACMG Guidelines, 2015. Collection method: clinical testing. Allele origin: germline. Affected: yes.
Comment: PVS1, PM2

Dr. Peter K. Rogan Lab, Western University
No classification provided (evidence only). Condition: Thyroid cancer, nonmedullary, 1. Review status: no classification provided. Collection method: in vitro. Allele origin: not applicable. Functional consequence: retained intron. Not counted in ClinVar's aggregate classification.